The following is an entry in ClinVar:

NM_020822.3(KCNT1):c.3152C>T (p.Ser1051Leu)

Gene: KCNT1 (potassium sodium-activated channel subfamily T member 1; plus strand). Cytogenetic location: 9q34.3.
Variant type: single nucleotide variant.
Coding change: c.3152C>T on transcript NM_020822.3 (MANE Select); coding-DNA position 3152, C replaced by T.
Protein change: p.Ser1051Leu; replaces serine 1051 with leucine.
Molecular consequence: missense variant.
Genome position (GRCh38, 1-based): chr9:135,784,885, C>T. VCF-style: chr9-135784885-C-T. GRCh37 (hg19) VCF-style: chr9-138676731-C-T.
Other names: c.3017C>T, p.Ser1006Leu (NM_001272003.2); short protein forms S1006L, S1051L.
Identifiers: ClinVar variation 642169 (VCV000642169.17), dbSNP rs375749415, ClinGen allele CA5327626.

ClinVar aggregate classification (germline): Conflicting classifications of pathogenicity. Review status: criteria provided, conflicting classifications (1 of 4 stars). 4 submissions from 4 submitters: Uncertain significance (2); Likely benign (2). Last evaluated 2025-12-21.

Conditions:
Inborn genetic diseases. Identifiers: MedGen C0950123, MeSH D030342.
Developmental and epileptic encephalopathy, 14 (DEE14). Also called: Early infantile epileptic encephalopathy 14. Identifiers: Orphanet 293181, MedGen C3554195, MONDO:0013989, OMIM 614959.
Autosomal dominant nocturnal frontal lobe epilepsy 5. Also called: Epilepsy, nocturnal frontal lobe, 5; KCNT1-Related Epilepsy; CILIARY DYSKINESIA, PRIMARY, 28, WITHOUT SITUS INVERSUS; CILIARY DYSKINESIA, PRIMARY, 28, WITH SITUS INVERSUS. Identifiers: Orphanet 98784, MedGen C3554306, MONDO:0014002, OMIM 615005.

Allele frequency attached by ClinVar (database versions not stated): gnomAD exomes 0.00001 and 0.00002; ExAC 0.00002; gnomAD 0.00003 and 0.00004; TOPMed 0.00006; ESP Exome Variant Server 0.00008.
gnomAD v4.1: 23 of 1,612,202 alleles (0.0014%); highest among the groups gnomAD compares: African/African-American, 0.02%; no homozygotes.

Submissions (4):

Labcorp Genetics (formerly Invitae), Labcorp
Classification: Likely benign for Autosomal dominant nocturnal frontal lobe epilepsy 5; Developmental and epileptic encephalopathy, 14. Last evaluated: 2025-12-21. Review status: criteria provided, single submitter. Criteria: Invitae Variant Classification Sherloc (09022015). Collection method: clinical testing. Allele origin: germline.

Ambry Genetics
Classification: Uncertain significance for Inborn genetic diseases. Last evaluated: 2024-10-28. Review status: criteria provided, single submitter. Criteria: Ambry Variant Classification Scheme 2023. Collection method: clinical testing. Allele origin: germline.

GeneDx
Classification: Likely benign. Last evaluated: 2020-12-07. Review status: criteria provided, single submitter. Criteria: GeneDx Variant Classification Process June 2021. Collection method: clinical testing. Allele origin: germline. Affected: yes.

New York Genome Center
Classification: Uncertain significance for Developmental and epileptic encephalopathy, 14. Last evaluated: 2020-06-19. Review status: criteria provided, single submitter. Criteria: NYGC Assertion Criteria 2020. Collection method: clinical testing. Allele origin: inherited. Observed: 1 heterozygote. Study: CSER-NYCKidSeq.
Comment: The inherited c.3152C>T (p.Ser1051Leu) variant identified in the KCNT1 gene substitutes a moderately conserved Serine for Leucine at amino acid1051/1236 (coding exon 27/31). This variant is found with low frequency in gnomAD (v3.0)(5 heterozygotes, 0 homozygotes; allele frequency: 3.49e-5) suggesting it is not a common benign variant in the populations represented in that database. In silico algorithms predict this variant to be Deleterious (Provean; score -2.58) and Damaging (SIFT; score:0.031) to the function of the canonical transcript. This variant is reported as a Variant of Uncertain Significance in ClinVar (VarID:642169) and to our current knowledge has not been reported in affected individuals in the literature. The p.Ser1051 residue is not within a mapped domain of KCNT1 (UniProtKB: Q5JUK3), and is located within the C-terminal cytoplasmic domain, however variants outside of mapped domains and within the C-terminal cytoplasmic domain have been identified in affected individuals in the literature [PMID:26122718]. Given the lack of compelling evidence for its pathogenicity, the c.3152C>T (p.Ser1051Leu) variant identified in the KCNT1 gene is reported here as a Variant of Uncertain Significance.